The following is an entry in ClinVar:

ClinVar aggregate classification (germline): Uncertain significance. Review status: criteria provided, multiple submitters, no conflicts (2 of 4 stars). 2 submissions from 2 submitters: Uncertain significance (2). Last evaluated 2025-03-26.

Allele frequency attached by ClinVar (database versions not stated): gnomAD 0.00001; TOPMed 0.00001.

Submissions (2):

Labcorp Genetics (formerly Invitae), Labcorp
Classification: Uncertain significance. Last evaluated: 2025-03-26. Review status: criteria provided, single submitter. Criteria: Invitae Variant Classification Sherloc (09022015). Collection method: clinical testing. Allele origin: germline.
Comment: This sequence change replaces arginine, which is basic and polar, with cysteine, which is neutral and slightly polar, at codon 173 of the ARHGEF1 protein (p.Arg173Cys). The frequency data for this variant in the population databases is considered unreliable, as metrics indicate poor data quality at this position in the gnomAD database. This variant has not been reported in the literature in individuals affected with ARHGEF1-related conditions. ClinVar contains an entry for this variant (Variation ID: 2291272). An algorithm developed to predict the effect of missense changes on protein structure and function (PolyPhen-2) suggests that this variant is likely to be tolerated. In summary, the available evidence is currently insufficient to determine the role of this variant in disease. Therefore, it has been classified as a Variant of Uncertain Significance.

Ambry Genetics
Classification: Uncertain significance. Last evaluated: 2022-05-26. Review status: criteria provided, single submitter. Criteria: Ambry Variant Classification Scheme 2023. Collection method: clinical testing. Allele origin: germline.

NM_004706.4(ARHGEF1):c.472C>T (p.Arg158Cys)

Gene: ARHGEF1 (Rho guanine nucleotide exchange factor 1; plus strand). Cytogenetic location: 19q13.2.
Variant type: single nucleotide variant.
Coding change: c.472C>T on transcript NM_004706.4 (MANE Select); coding-DNA position 472, C replaced by T.
Protein change: p.Arg158Cys; replaces arginine 158 with cysteine.
Molecular consequence: missense variant. On other transcripts: non-coding transcript variant (2).
Genome position (GRCh38, 1-based): chr19:41,892,707, C>T. VCF-style: chr19-41892707-C-T. GRCh37 (hg19) VCF-style: chr19-42396778-C-T.
Other names: c.472C>T, p.Arg158Cys (NM_001396000.1, NM_001396003.1, NM_001396006.1); c.373C>T, p.Arg125Cys (NM_001396002.1, NM_001396004.1, NM_198977.2); c.517C>T, p.Arg173Cys (NM_199002.2); short protein forms R125C, R158C, R173C.
Identifiers: ClinVar variation 2291272 (VCV002291272.5), dbSNP rs782253282, ClinGen allele CA308583210.